The following is an entry in ClinVar:

ClinVar aggregate classification (germline): Conflicting classifications of pathogenicity. Review status: criteria provided, conflicting classifications (1 of 4 stars). 2 submissions from 2 submitters: Uncertain significance (1); Likely benign (1). Last evaluated 2026-02-06.

Conditions:
SEC23B-related disorder. Also called: SEC23B-related condition; SEC23B-related disorders.
Inborn genetic diseases. Identifiers: MedGen C0950123, MeSH D030342.

Allele frequency attached by ClinVar (database versions not stated): gnomAD exomes 0.00002; TOPMed 0.00005; gnomAD 0.00006; ExAC 0.00015; 1000 Genomes Project 0.00040; 1000 Genomes Project 30x 0.00047.
gnomAD v4.1: 31 of 1,603,712 alleles (0.0019%); highest among the groups gnomAD compares: East Asian, 0.066%; no homozygotes.

Submissions (2):

PreventionGenetics, part of Exact Sciences
Classification: Likely benign for SEC23B-related condition. Last evaluated: 2026-02-06. Review status: criteria provided, single submitter. Criteria: ACMG Guidelines, 2015. Collection method: clinical testing. Allele origin: germline.
Comment: This variant is classified as likely benign based on ACMG/AMP sequence variant interpretation guidelines (Richards et al. 2015 PMID: 25741868, with internal and published modifications).

Ambry Genetics
Classification: Uncertain significance for Inborn genetic diseases. Last evaluated: 2023-05-10. Review status: criteria provided, single submitter. Criteria: Ambry Variant Classification Scheme 2023. Collection method: clinical testing. Allele origin: germline.

NM_006363.6(SEC23B):c.1232A>G (p.Lys411Arg)

Gene: SEC23B (SEC23 homolog B, COPII component; plus strand). Cytogenetic location: 20p11.23.
Variant type: single nucleotide variant.
Coding change: c.1232A>G on transcript NM_006363.6 (MANE Select); coding-DNA position 1232, A replaced by G.
Protein change: p.Lys411Arg; replaces lysine 411 with arginine.
Molecular consequence: missense variant.
Genome position (GRCh38, 1-based): chr20:18,530,802, A>G. VCF-style: chr20-18530802-A-G. GRCh37 (hg19) VCF-style: chr20-18511446-A-G.
Other names: c.1232A>G, p.Lys411Arg (NM_001172745.3, NM_032985.6, NM_032986.5); c.1178A>G, p.Lys393Arg (NM_001172746.3); short protein forms K411R, K393R.
Identifiers: ClinVar variation 2508018 (VCV002508018.3), dbSNP rs201288091, ClinGen allele CA9778258.